The following is an entry in ClinVar:

NM_000321.3(RB1):c.2287A>T (p.Arg763Ter)

Gene: RB1 (RB transcriptional corepressor 1; plus strand). Cytogenetic location: 13q14.2.
Variant type: single nucleotide variant.
Coding change: c.2287A>T on transcript NM_000321.3 (MANE Select); coding-DNA position 2287, A replaced by T.
Protein change: p.Arg763Ter; replaces arginine 763 with a stop codon.
Molecular consequence: nonsense.
Genome position (GRCh38, 1-based): chr13:48,465,073, A>T. VCF-style: chr13-48465073-A-T. GRCh37 (hg19) VCF-style: chr13-49039209-A-T.
Other names: c.2287A>T, p.Arg763Ter (NM_001407165.1); short protein forms R763*.
Identifiers: ClinVar variation 1789022 (VCV001789022.2), dbSNP rs2138344902, ClinGen allele CA388167652.

ClinVar aggregate classification (germline): Pathogenic (1 of 4 stars; one submission).

Conditions:
Hereditary cancer-predisposing syndrome. Also called: Hereditary Cancer Syndrome; Hereditary neoplastic syndrome; Tumor predisposition; Neoplastic Syndromes, Hereditary. Identifiers: Orphanet 140162, MedGen C0027672, MeSH D009386, MONDO:0015356.

Submission:

Ambry Genetics
Classification: Pathogenic for Hereditary cancer-predisposing syndrome. Last evaluated: 2018-02-28. Review status: criteria provided, single submitter. Criteria: Ambry Variant Classification Scheme 2023. Collection method: clinical testing. Allele origin: germline.
Comment: The p.R763* pathogenic mutation (also known as c.2287A>T), located in coding exon 22 of the RB1 gene, results from an A to T substitution at nucleotide position 2287. This changes the amino acid from an arginine to a stop codon within coding exon 22. This alteration is expected to result in loss of function by premature protein truncation or nonsense-mediated mRNA decay. As such, this alteration is interpreted as a disease-causing mutation.